The following is an entry in ClinVar:

ClinVar aggregate classification (germline): Conflicting classifications of pathogenicity. Review status: criteria provided, conflicting classifications (1 of 4 stars). 2 submissions from 2 submitters: Uncertain significance (1); Likely benign (1). Last evaluated 2025-06-07.

Conditions:
Inborn genetic diseases. Identifiers: MedGen C0950123, MeSH D030342.

gnomAD v4.1: 4 of 1,613,748 alleles (0.00025%); highest among the groups gnomAD compares: South Asian, 0.0033%; no homozygotes.

Submissions (2):

Ambry Genetics
Classification: Likely benign for Inborn genetic diseases. Last evaluated: 2025-06-07. Review status: criteria provided, single submitter. Criteria: Ambry Variant Classification Scheme 2023. Collection method: clinical testing. Allele origin: germline.

GeneDx
Classification: Uncertain significance. Last evaluated: 2023-07-25. Review status: criteria provided, single submitter. Criteria: GeneDx Variant Classification Process June 2021. Collection method: clinical testing. Allele origin: germline. Affected: yes.
Comment: In silico analysis supports that this missense variant does not alter protein structure/function; Has not been previously published as pathogenic or benign to our knowledge

NM_030632.3(ASXL3):c.1980C>G (p.Asp660Glu)

Gene: ASXL3 (ASXL transcriptional regulator 3; plus strand). Cytogenetic location: 18q12.1.
Variant type: single nucleotide variant.
Coding change: c.1980C>G on transcript NM_030632.3 (MANE Select); coding-DNA position 1980, C replaced by G.
Protein change: p.Asp660Glu; replaces aspartic acid 660 with glutamic acid.
Molecular consequence: missense variant.
Genome position (GRCh38, 1-based): chr18:33,739,384, C>G. VCF-style: chr18-33739384-C-G. GRCh37 (hg19) VCF-style: chr18-31319348-C-G.
Other names: short protein forms D660E.
Identifiers: ClinVar variation 3361421 (VCV003361421.2).